The following is an entry in ClinVar:

NM_130810.4(DNAAF4):c.829A>G (p.Ile277Val)

Genes: DNAAF4 (dynein axonemal assembly factor 4; minus strand), DNAAF4-CCPG1 (DNAAF4-CCPG1 readthrough (NMD candidate); minus strand). Cytogenetic location: 15q21.3.
Variant type: single nucleotide variant.
Coding change: c.829A>G on transcript NM_130810.4 (MANE Select); coding-DNA position 829, A replaced by G.
Protein change: p.Ile277Val; replaces isoleucine 277 with valine.
Molecular consequence: missense variant. On other transcripts: non-coding transcript variant (1).
Genome position (GRCh38, 1-based): chr15:55,439,536, T>C on the plus strand (A>G on the coding strand, the complement: DNAAF4 is on the minus strand). VCF-style: chr15-55439536-T-C. GRCh37 (hg19) VCF-style: chr15-55731734-T-C.
Other names: c.829A>G, p.Ile277Val (NM_001033559.3, NM_001033560.2); short protein forms I277V.
Identifiers: ClinVar variation 964667 (VCV000964667.9), dbSNP rs144616491, ClinGen allele CA7574916.

ClinVar aggregate classification (germline): Uncertain significance. Review status: criteria provided, multiple submitters, no conflicts (2 of 4 stars). 3 submissions from 3 submitters: Uncertain significance (3). Last evaluated 2024-07-03.

Conditions:
Inborn genetic diseases. Identifiers: MedGen C0950123, MeSH D030342.
Primary ciliary dyskinesia 25 (CILD25). Also called: CILIARY DYSKINESIA, PRIMARY, 25, WITH OR WITHOUT SITUS INVERSUS. Identifiers: Orphanet 244, MedGen C3809641, MONDO:0014203, OMIM 615482.

Allele frequency attached by ClinVar (database versions not stated): TOPMed 0.00006; gnomAD exomes 0.00013; ExAC 0.00016.
gnomAD v4.1: 245 of 1,614,042 alleles (0.015%); highest among the groups gnomAD compares: Non-Finnish European, 0.02%; no homozygotes.

Submissions (3):

Labcorp Genetics (formerly Invitae), Labcorp
Classification: Uncertain significance. Last evaluated: 2024-07-03. Review status: criteria provided, single submitter. Criteria: Invitae Variant Classification Sherloc (09022015). Collection method: clinical testing. Allele origin: germline.
Comment: This sequence change replaces isoleucine, which is neutral and non-polar, with valine, which is neutral and non-polar, at codon 277 of the DNAAF4 protein (p.Ile277Val). This variant is present in population databases (rs144616491, gnomAD 0.03%). This variant has not been reported in the literature in individuals affected with DNAAF4-related conditions. ClinVar contains an entry for this variant (Variation ID: 964667). Advanced modeling of protein sequence and biophysical properties (such as structural, functional, and spatial information, amino acid conservation, physicochemical variation, residue mobility, and thermodynamic stability) performed at Invitae indicates that this missense variant is not expected to disrupt DNAAF4 protein function with a negative predictive value of 80%. In summary, the available evidence is currently insufficient to determine the role of this variant in disease. Therefore, it has been classified as a Variant of Uncertain Significance.

Ambry Genetics
Classification: Uncertain significance for Inborn genetic diseases. Last evaluated: 2023-08-01. Review status: criteria provided, single submitter. Criteria: Ambry Variant Classification Scheme 2023. Collection method: clinical testing. Allele origin: germline.

Department of Pathology and Laboratory Medicine, Sinai Health System
Classification: Uncertain significance for primary ciliary dyskinesia 25. Last evaluated: 2021-07-30. Review status: criteria provided, single submitter. Criteria: ACMG Guidelines, 2015. Collection method: research. Allele origin: germline.